The following is an entry in ClinVar:

ClinVar aggregate classification (germline): Uncertain significance (1 of 4 stars; one submission).

gnomAD v4.1: 1 of 1,613,056 alleles (0.000062%); highest among the groups gnomAD compares: Non-Finnish European, 0.000085%; no homozygotes.

Submission:

GeneDx
Classification: Uncertain significance. Last evaluated: 2025-07-01. Review status: criteria provided, single submitter. Criteria: GeneDx Variant Classification Process June 2021. Collection method: clinical testing. Allele origin: germline. Affected: yes.
Comment: Not observed at significant frequency in large population cohorts (gnomAD); Missense variant in a gene in which most reported pathogenic variants are truncating/loss of function; Has not been previously published as pathogenic or benign to our knowledge

NM_001267550.2(TTN):c.68506G>T (p.Val22836Phe)

Genes: TTN (titin; minus strand), TTN-AS1 (TTN antisense RNA 1; plus strand). Cytogenetic location: 2q31.2.
Variant type: single nucleotide variant.
Coding change: c.68506G>T on transcript NM_001267550.2 (MANE Select); coding-DNA position 68506, G replaced by T.
Protein change: p.Val22836Phe; replaces valine 22836 with phenylalanine.
Molecular consequence: missense variant.
Genome position (GRCh38, 1-based): chr2:178,578,009, C>A on the plus strand (G>T on the coding strand, the complement: TTN is on the minus strand). VCF-style: chr2-178578009-C-A. GRCh37 (hg19) VCF-style: chr2-179442736-C-A.
Other names: c.63583G>T, p.Val21195Phe (NM_001256850.1); c.41311G>T, p.Val13771Phe (NM_003319.4); c.60802G>T, p.Val20268Phe (NM_133378.4); c.41686G>T, p.Val13896Phe (NM_133432.3); c.41887G>T, p.Val13963Phe (NM_133437.4); short protein forms V13771F, V13896F, V13963F, V20268F, V21195F, V22836F.
Identifiers: ClinVar variation 4681032 (VCV004681032.1).